The following is an entry in ClinVar:

ClinVar aggregate classification (germline): Uncertain significance (1 of 4 stars; one submission).

Submission:

Ambry Genetics
Classification: Uncertain significance. Last evaluated: 2025-01-13. Review status: criteria provided, single submitter. Criteria: Ambry Variant Classification Scheme 2023. Collection method: clinical testing. Allele origin: germline.
Comment: The p.L19F variant (also known as c.57G>C), located in coding exon 1 of the GEN1 gene, results from a G to C substitution at nucleotide position 57. The leucine at codon 19 is replaced by phenylalanine, an amino acid with highly similar properties. This amino acid position is conserved. In addition, the in silico prediction for this alteration is inconclusive. Based on the available evidence, the clinical significance of this variant remains unclear.

NM_001130009.3(GEN1):c.57G>C (p.Leu19Phe)

Gene: GEN1 (GEN1 Holliday junction 5' flap endonuclease; plus strand). Cytogenetic location: 2p24.2.
Variant type: single nucleotide variant.
Coding change: c.57G>C on transcript NM_001130009.3 (MANE Select); coding-DNA position 57, G replaced by C.
Protein change: p.Leu19Phe; replaces leucine 19 with phenylalanine.
Molecular consequence: missense variant.
Genome position (GRCh38, 1-based): chr2:17,760,000, G>C. VCF-style: chr2-17760000-G-C. GRCh37 (hg19) VCF-style: chr2-17941267-G-C.
Other names: c.57G>C, p.Leu19Phe (NM_182625.5); short protein forms L19F.
Identifiers: ClinVar variation 3853504 (VCV003853504.1).